The following is an entry in ClinVar:

ClinVar aggregate classification (germline): Uncertain significance (1 of 4 stars; one submission).

Allele frequency attached by ClinVar (database versions not stated): ExAC 0.00001; gnomAD 0.00001.
gnomAD v4.1: 3 of 1,614,054 alleles (0.00019%); highest among the groups gnomAD compares: African/African-American, 0.004%; no homozygotes.

Submission:

Labcorp Genetics (formerly Invitae), Labcorp
Classification: Uncertain significance. Last evaluated: 2022-08-07. Review status: criteria provided, single submitter. Criteria: Invitae Variant Classification Sherloc (09022015). Collection method: clinical testing. Allele origin: germline.
Comment: In summary, the available evidence is currently insufficient to determine the role of this variant in disease. Therefore, it has been classified as a Variant of Uncertain Significance. Algorithms developed to predict the effect of missense changes on protein structure and function output the following: SIFT: "Tolerated"; PolyPhen-2: "Benign"; Align-GVGD: "Class C0". The threonine amino acid residue is found in multiple mammalian species, which suggests that this missense change does not adversely affect protein function. This variant has not been reported in the literature in individuals affected with COQ6-related conditions. This variant is present in population databases (rs774312474, gnomAD 0.01%). This sequence change replaces serine, which is neutral and polar, with threonine, which is neutral and polar, at codon 437 of the COQ6 protein (p.Ser437Thr).

NM_182476.3(COQ6):c.1310G>C (p.Ser437Thr)

Genes: ENTPD5 (ectonucleoside triphosphate diphosphohydrolase 5; minus strand), COQ6 (coenzyme Q6, monooxygenase; plus strand). Cytogenetic location: 14q24.3.
Variant type: single nucleotide variant.
Coding change: c.1310G>C on transcript NM_182476.3 (MANE Select); coding-DNA position 1310, G replaced by C.
Protein change: p.Ser437Thr; replaces serine 437 with threonine.
Molecular consequence: missense variant. On other transcripts: intron variant (7).
Genome position (GRCh38, 1-based): chr14:73,961,836, G>C. VCF-style: chr14-73961836-G-C. GRCh37 (hg19) VCF-style: chr14-74428539-G-C.
Other names: c.1202G>C, p.Ser401Thr (NM_001425256.1); c.1145G>C, p.Ser382Thr (NM_001425257.1); c.1127G>C, p.Ser376Thr (NM_001425258.1); c.1085G>C, p.Ser362Thr (NM_001425259.1, NM_001425260.1, NM_001425261.1); c.1055G>C, p.Ser352Thr (NM_001425262.1); c.983G>C, p.Ser328Thr (NM_001425263.1); c.770G>C, p.Ser257Thr (NM_001425264.1, NM_001425265.1); c.1235G>C, p.Ser412Thr (NM_182480.3); and 5 more; short protein forms S412T, S437T.
Identifiers: ClinVar variation 1715611 (VCV001715611.6), dbSNP rs774312474, ClinGen allele CA7264501.